The following is an entry in ClinVar:

ClinVar aggregate classification (germline): Uncertain significance (1 of 4 stars; one submission).

Submission:

Labcorp Genetics (formerly Invitae), Labcorp
Classification: Uncertain significance. Last evaluated: 2024-09-17. Review status: criteria provided, single submitter. Criteria: Invitae Variant Classification Sherloc (09022015). Collection method: clinical testing. Allele origin: germline.
Comment: This sequence change replaces valine, which is neutral and non-polar, with alanine, which is neutral and non-polar, at codon 260 of the KCNK4 protein (p.Val260Ala). This variant is present in population databases (no rsID available, gnomAD 0.003%). This variant has not been reported in the literature in individuals affected with KCNK4-related conditions. An algorithm developed to predict the effect of missense changes on protein structure and function (PolyPhen-2) suggests that this variant is likely to be disruptive. In summary, the available evidence is currently insufficient to determine the role of this variant in disease. Therefore, it has been classified as a Variant of Uncertain Significance.

NM_033310.3(KCNK4):c.779T>C (p.Val260Ala)

Genes: KCNK4 (potassium two pore domain channel subfamily K member 4; plus strand), KCNK4-CATSPERZ (KCNK4-CATSPERZ readthrough (NMD candidate); plus strand). Cytogenetic location: 11q13.1.
Variant type: single nucleotide variant.
Coding change: c.779T>C on transcript NM_033310.3 (MANE Select); coding-DNA position 779, T replaced by C.
Protein change: p.Val260Ala; replaces valine 260 with alanine.
Molecular consequence: missense variant. On other transcripts: non-coding transcript variant (3).
Genome position (GRCh38, 1-based): chr11:64,298,227, T>C. VCF-style: chr11-64298227-T-C. GRCh37 (hg19) VCF-style: chr11-64065699-T-C.
Other names: c.779T>C, p.Val260Ala (NM_001317090.2); short protein forms V260A.
Identifiers: ClinVar variation 3678718 (VCV003678718.2).